The following is an entry in ClinVar:

ClinVar aggregate classification (germline): Uncertain significance (1 of 4 stars; one submission).

Conditions:
Intellectual disability, autosomal recessive 53 (NEDHSCA). Also called: GLYCOSYLPHOSPHATIDYLINOSITOL BIOSYNTHESIS DEFECT 13; Mental retardation, autosomal recessive 53; NEURODEVELOPMENTAL DISORDER WITH OR WITHOUT HYPOTONIA, SEIZURES, AND CEREBELLAR ATROPHY. Identifiers: Orphanet 488635, MedGen C4310794, MONDO:0014832, OMIM 616917.

Allele frequency attached by ClinVar (database versions not stated): gnomAD exomes below 0.00001; gnomAD 0.00001.
gnomAD v4.1: 4 of 1,613,896 alleles (0.00025%); highest among the groups gnomAD compares: East Asian, 0.0045%; no homozygotes.

Submission:

Labcorp Genetics (formerly Invitae), Labcorp
Classification: Uncertain significance for Intellectual disability, autosomal recessive 53. Last evaluated: 2022-08-23. Review status: criteria provided, single submitter. Criteria: Invitae Variant Classification Sherloc (09022015). Collection method: clinical testing. Allele origin: germline.
Comment: This sequence change replaces threonine, which is neutral and polar, with isoleucine, which is neutral and non-polar, at codon 642 of the PIGG protein (p.Thr642Ile). This variant is present in population databases (no rsID available, gnomAD 0.01%). This variant has not been reported in the literature in individuals affected with PIGG-related conditions. ClinVar contains an entry for this variant (Variation ID: 646498). Algorithms developed to predict the effect of missense changes on protein structure and function (SIFT, PolyPhen-2, Align-GVGD) all suggest that this variant is likely to be tolerated. In summary, the available evidence is currently insufficient to determine the role of this variant in disease. Therefore, it has been classified as a Variant of Uncertain Significance.

NM_001127178.3(PIGG):c.1925C>T (p.Thr642Ile)

Gene: PIGG (phosphatidylinositol glycan anchor biosynthesis class G (EMM blood group); plus strand). Cytogenetic location: 4p16.3.
Variant type: single nucleotide variant.
Coding change: c.1925C>T on transcript NM_001127178.3 (MANE Select); coding-DNA position 1925, C replaced by T.
Protein change: p.Thr642Ile; replaces threonine 642 with isoleucine.
Molecular consequence: missense variant. On other transcripts: non-coding transcript variant (6).
Genome position (GRCh38, 1-based): chr4:523,769, C>T. VCF-style: chr4-523769-C-T. GRCh37 (hg19) VCF-style: chr4-517558-C-T.
Other names: c.1658C>T, p.Thr553Ile (NM_001289051.2, NM_001345986.2); c.1526C>T, p.Thr509Ile (NM_001289052.2); c.1634C>T, p.Thr545Ile (NM_001345987.2); c.896C>T, p.Thr299Ile (NM_001345988.2); c.392C>T, p.Thr131Ile (NM_001345990.2, NM_001345991.2); c.827C>T, p.Thr276Ile (NM_001345994.2); c.1901C>T, p.Thr634Ile (NM_017733.5); short protein forms T276I, T634I, T131I, T299I, T509I, T545I, T553I, T642I.
Identifiers: ClinVar variation 646498 (VCV000646498.8), dbSNP rs1222148392, ClinGen allele CA355907621.
Genomic context (GRCh38, chr4:523,769, plus strand): 5'-GGCAGGACGGGCCTGGCTGTGATGTCCTGGAGCGAGACAAAGGCCACGGAAGCCCCTCTA[C>T]CTCCGAAGTGCTCAGAGGCCGCGAGAAGTGGATGGTGCTGGCCAGTCCGTGGCTAATACT-3'
Protein context (NP_001120650.1, residues 632-652): ERDKGHGSPS[Thr642Ile]SEVLRGREKW